The following is an entry in ClinVar:

ClinVar aggregate classification (germline): Uncertain significance (1 of 4 stars; one submission).

gnomAD v4.1: 3 of 1,559,398 alleles (0.00019%); highest among the groups gnomAD compares: Non-Finnish European, 0.00026%; no homozygotes.

Submission:

Dasa
Classification: Uncertain significance. Last evaluated: 2025-02-20. Review status: criteria provided, single submitter. Criteria: DASA Assertion Criteria. Collection method: clinical testing. Allele origin: germline.
Comment: NM_001377.3(DYNC2H1):c.2827C>T (p.His943Tyr) is a missense variant that results in the substitution of histidine with tyrosine. This variant has been observed in affected individuals with DYNC2H1-related disorders. Also, this variant is rare in population databases. Computational prediction algorithms are consistent with a benign effect. The currently available literature and clinical evidence are not sufficient to establish a definitive association between this variant and the reported condition. Therefore, this variant is classified as a variant of uncertain significance.

NM_001377.3(DYNC2H1):c.2827C>T (p.His943Tyr)

Gene: DYNC2H1 (dynein cytoplasmic 2 heavy chain 1; plus strand). Cytogenetic location: 11q22.3.
Variant type: single nucleotide variant.
Coding change: c.2827C>T on transcript NM_001377.3 (MANE Select); coding-DNA position 2827, C replaced by T.
Protein change: p.His943Tyr; replaces histidine 943 with tyrosine.
Molecular consequence: missense variant.
Genome position (GRCh38, 1-based): chr11:103,148,498, C>T. VCF-style: chr11-103148498-C-T. GRCh37 (hg19) VCF-style: chr11-103019227-C-T.
Other names: c.2827C>T, p.His943Tyr (NM_001080463.2); short protein forms H943Y.
Identifiers: ClinVar variation 4885678 (VCV004885678.2).